The following is an entry in ClinVar:

ClinVar aggregate classification (germline): Uncertain significance (1 of 4 stars; one submission).

Conditions:
Duchenne muscular dystrophy (DMD). Also called: Duchenne Muscular Dystrophy (DMD); MUSCULAR DYSTROPHY, PSEUDOHYPERTROPHIC PROGRESSIVE, DUCHENNE TYPE. Identifiers: Orphanet 98896, MedGen C0013264, MONDO:0010679, OMIM 310200.

Allele frequency attached by ClinVar (database versions not stated): gnomAD exomes below 0.00001 and 0.00001; ExAC 0.00001.
gnomAD v4.1: 2 of 1,208,815 alleles (0.00017%); highest among the groups gnomAD compares: Non-Finnish European, 0.00011%; no homozygotes.

Submission:

Labcorp Genetics (formerly Invitae), Labcorp
Classification: Uncertain significance for Duchenne muscular dystrophy. Last evaluated: 2024-06-28. Review status: criteria provided, single submitter. Criteria: Invitae Variant Classification Sherloc (09022015). Collection method: clinical testing. Allele origin: germline.
Comment: This sequence change replaces alanine, which is neutral and non-polar, with glutamic acid, which is acidic and polar, at codon 2371 of the DMD protein (p.Ala2371Glu). The frequency data for this variant in the population databases is considered unreliable, as metrics indicate poor data quality at this position in the gnomAD database. This variant has not been reported in the literature in individuals affected with DMD-related conditions. ClinVar contains an entry for this variant (Variation ID: 1495796). Advanced modeling of protein sequence and biophysical properties (such as structural, functional, and spatial information, amino acid conservation, physicochemical variation, residue mobility, and thermodynamic stability) performed at Invitae indicates that this missense variant is not expected to disrupt DMD protein function with a negative predictive value of 95%. In summary, the available evidence is currently insufficient to determine the role of this variant in disease. Therefore, it has been classified as a Variant of Uncertain Significance.

NM_004006.3(DMD):c.7112C>A (p.Ala2371Glu)

Gene: DMD (dystrophin; minus strand). Cytogenetic location: Xp21.1.
Variant type: single nucleotide variant.
Coding change: c.7112C>A on transcript NM_004006.3 (MANE Select); coding-DNA position 7112, C replaced by A.
Protein change: p.Ala2371Glu; replaces alanine 2371 with glutamic acid.
Molecular consequence: missense variant. On other transcripts: 5 prime UTR variant (5).
Genome position (GRCh38, 1-based): chrX:31,836,806, G>T on the plus strand (C>A on the coding strand, the complement: DMD is on the minus strand). VCF-style: chrX-31836806-G-T. GRCh37 (hg19) VCF-style: chrX-31854923-G-T.
Other names: c.7088C>A, p.Ala2363Glu (NM_000109.4); c.7100C>A, p.Ala2367Glu (NM_004009.3); c.6743C>A, p.Ala2248Glu (NM_004010.3); c.3089C>A, p.Ala1030Glu (NM_004011.4); c.3080C>A, p.Ala1027Glu (NM_004012.4); c.-269C>A (NM_004013.3, NM_004020.4, NM_004021.3 and 2 more transcripts); short protein forms A1027E, A2367E, A2371E, A1030E, A2248E, A2363E.
Identifiers: ClinVar variation 1495796 (VCV001495796.7), dbSNP rs767961100, ClinGen allele CA10378336.